The following is an entry in ClinVar:

NM_004434.3(EML1):c.1031C>T (p.Ala344Val)

Gene: EML1 (EMAP like 1; plus strand). Cytogenetic location: 14q32.2.
Variant type: single nucleotide variant.
Coding change: c.1031C>T on transcript NM_004434.3 (MANE Select); coding-DNA position 1031, C replaced by T.
Protein change: p.Ala344Val; replaces alanine 344 with valine.
Molecular consequence: missense variant.
Genome position (GRCh38, 1-based): chr14:99,907,660, C>T. VCF-style: chr14-99907660-C-T. GRCh37 (hg19) VCF-style: chr14-100373997-C-T.
Other names: c.1088C>T, p.Ala363Val (NM_001008707.2); c.992C>T, p.Ala331Val (NM_001375411.1); c.1031C>T, p.Ala344Val (NM_001375412.1); short protein forms A344V, A331V, A363V.
Identifiers: ClinVar variation 2005391 (VCV002005391.4), dbSNP rs2548871464, ClinGen allele CA390959472.

ClinVar aggregate classification (germline): Uncertain significance (1 of 4 stars; one submission).

Submission:

Labcorp Genetics (formerly Invitae), Labcorp
Classification: Uncertain significance. Last evaluated: 2022-08-24. Review status: criteria provided, single submitter. Criteria: Invitae Variant Classification Sherloc (09022015). Collection method: clinical testing. Allele origin: germline.
Comment: This sequence change replaces alanine, which is neutral and non-polar, with valine, which is neutral and non-polar, at codon 344 of the EML1 protein (p.Ala344Val). This variant is not present in population databases (gnomAD no frequency). This variant has not been reported in the literature in individuals affected with EML1-related conditions. Algorithms developed to predict the effect of missense changes on protein structure and function (SIFT, PolyPhen-2, Align-GVGD) all suggest that this variant is likely to be tolerated. In summary, the available evidence is currently insufficient to determine the role of this variant in disease. Therefore, it has been classified as a Variant of Uncertain Significance.